The following is an entry in ClinVar:

ClinVar aggregate classification (germline): Uncertain significance (1 of 4 stars; one submission).

Conditions:
SIX5-related disorder. Also called: SIX5-related condition.

Submission:

PreventionGenetics, part of Exact Sciences
Classification: Uncertain significance for SIX5-related condition. Last evaluated: 2023-01-05. Review status: criteria provided, single submitter. Criteria: ACMG Guidelines, 2015. Collection method: clinical testing. Allele origin: germline.
Comment: The SIX5 c.434G>A variant is predicted to result in the amino acid substitution p.Arg145Gln. To our knowledge, this variant has not been reported in the literature or in a large population database, indicating this variant is rare. At this time, the clinical significance of this variant is uncertain due to the absence of conclusive functional and genetic evidence.

NM_175875.5(SIX5):c.434G>A (p.Arg145Gln)

Genes: DM1-AS (DM1 locus antisense RNA; plus strand), SIX5 (SIX homeobox 5; minus strand), LOC107075317 (origin of replication in DMPK trinucleotide repeat region; plus strand). Cytogenetic location: 19q13.32.
Variant type: single nucleotide variant.
Coding change: c.434G>A on transcript NM_175875.5 (MANE Select); coding-DNA position 434, G replaced by A.
Protein change: p.Arg145Gln; replaces arginine 145 with glutamine.
Molecular consequence: missense variant.
Genome position (GRCh38, 1-based): chr19:45,768,411, C>T on the plus strand (G>A on the coding strand, the complement: SIX5 is on the minus strand). VCF-style: chr19-45768411-C-T. GRCh37 (hg19) VCF-style: chr19-46271669-C-T.
Other names: short protein forms R145Q.
Identifiers: ClinVar variation 2629677 (VCV002629677.1), dbSNP rs2513604948, ClinGen allele CA406423630.